The following is an entry in ClinVar:

NM_014855.3(AP5Z1):c.512-7A>G

Gene: AP5Z1 (adaptor related protein complex 5 subunit zeta 1; plus strand). Cytogenetic location: 7p22.1.
Variant type: single nucleotide variant.
Coding change: c.512-7A>G on transcript NM_014855.3 (MANE Select); 7 bases into the intron before coding-DNA position 512, A replaced by G.
Molecular consequence: intron variant.
Genome position (GRCh38, 1-based): chr7:4,783,682, A>G. VCF-style: chr7-4783682-A-G. GRCh37 (hg19) VCF-style: chr7-4823313-A-G.
Other names: p.?; c.512-7A>G (LRG_1247t1); c.44-7A>G (NM_001364858.1).
Identifiers: ClinVar variation 360312 (VCV000360312.18), dbSNP rs73305371, ClinGen allele CA4137258.
Genomic context (GRCh38, chr7:4,783,682, plus strand): 5'-GCATCCCAACAACCCAGGCATCTGTAGGATTCAACCTCACCTCCCCATGCCACCCCACCC[A>G]CTGCAGACCAGGCCACCCTGCTCAGCAAGCGGCTGGTCGACTGGCTGCGCTACGCCAGCC-3'

ClinVar aggregate classification (germline): Benign. Review status: criteria provided, multiple submitters, no conflicts (2 of 4 stars). 5 submissions from 5 submitters: Benign (5). Last evaluated 2026-01-29.

Conditions:
Hereditary spastic paraplegia 48. Also called: SPASTIC PARAPLEGIA 48, AUTOSOMAL RECESSIVE; Spastic paraplegia 48. Identifiers: Orphanet 306511, MedGen C3150901, MONDO:0013342, OMIM 613647.

Allele frequency attached by ClinVar (database versions not stated): gnomAD exomes 0.01326 and 0.01909; ExAC 0.02764; ESP Exome Variant Server 0.06126; gnomAD 0.07873; 1000 Genomes Project 0.08407; 1000 Genomes Project 30x 0.08916; TOPMed 0.09215.
gnomAD v4.1: 31,299 of 1,548,868 alleles (2%); highest among the groups gnomAD compares: African/African-American, 27%; 2,858 homozygotes.

Submissions (5):

Labcorp Genetics (formerly Invitae), Labcorp
Classification: Benign for Hereditary spastic paraplegia 48. Last evaluated: 2026-01-29. Review status: criteria provided, single submitter. Criteria: Invitae Variant Classification Sherloc (09022015). Collection method: clinical testing. Allele origin: germline.

Athena Diagnostics
Classification: Benign. Last evaluated: 2023-12-05. Review status: criteria provided, single submitter. Criteria: Athena Diagnostics Criteria. Collection method: clinical testing. Allele origin: unknown.

GeneDx
Classification: Benign. Last evaluated: 2019-01-30. Review status: criteria provided, single submitter. Criteria: GeneDx Variant Classification Process June 2021. Collection method: clinical testing. Allele origin: germline. Affected: yes.

Illumina Laboratory Services, Illumina
Classification: Benign for Hereditary spastic paraplegia 48. Last evaluated: 2018-01-13. Review status: criteria provided, single submitter. Criteria: ICSL Variant Classification Criteria 13 December 2019. Collection method: clinical testing. Allele origin: germline.
Comment: This variant was observed in the ICSL laboratory as part of a predisposition screen in an ostensibly healthy population. It had not been previously curated by ICSL or reported in the Human Gene Mutation Database (HGMD: prior to June 1st, 2018), and was therefore a candidate for classification through an automated scoring system. Utilizing variant allele frequency, disease prevalence and penetrance estimates, and inheritance mode, an automated score was calculated to assess if this variant is too frequent to cause the disease. Based on the score and internal cut-off values, a variant classified as benign is not then subjected to further curation. The score for this variant resulted in a classification of benign for this disease.

Mayo Clinic Laboratories, Mayo Clinic
Classification: Benign. Last evaluated: 2017-10-05. Review status: criteria provided, single submitter. Criteria: ACMG Guidelines, 2015. Collection method: clinical testing. Allele origin: germline. Observed: 54 variant alleles.